The following is an entry in ClinVar:

ClinVar aggregate classification (germline): Uncertain significance. Review status: criteria provided, multiple submitters, no conflicts (2 of 4 stars). 2 submissions from 2 submitters: Uncertain significance (2). Last evaluated 2025-08-31.

Allele frequency attached by ClinVar (database versions not stated): ExAC 0.00007; 1000 Genomes Project 0.00020; 1000 Genomes Project 30x 0.00031.
gnomAD v4.1: 80 of 1,614,190 alleles (0.005%); highest among the groups gnomAD compares: East Asian, 0.051%; no homozygotes.

Submissions (2):

Ambry Genetics
Classification: Uncertain significance. Last evaluated: 2025-08-31. Review status: criteria provided, single submitter. Criteria: Ambry Variant Classification Scheme 2023. Collection method: clinical testing. Allele origin: germline.

Labcorp Genetics (formerly Invitae), Labcorp
Classification: Uncertain significance. Last evaluated: 2024-02-04. Review status: criteria provided, single submitter. Criteria: Invitae Variant Classification Sherloc (09022015). Collection method: clinical testing. Allele origin: germline.
Comment: This sequence change replaces methionine, which is neutral and non-polar, with valine, which is neutral and non-polar, at codon 275 of the DMRT1 protein (p.Met275Val). This variant is present in population databases (rs202115252, gnomAD 0.07%), and has an allele count higher than expected for a pathogenic variant. This variant has not been reported in the literature in individuals affected with DMRT1-related conditions. ClinVar contains an entry for this variant (Variation ID: 2456692). Algorithms developed to predict the effect of missense changes on protein structure and function output the following: SIFT: "Not Available"; PolyPhen-2: "Benign"; Align-GVGD: "Not Available". The valine amino acid residue is found in multiple mammalian species, which suggests that this missense change does not adversely affect protein function. In summary, the available evidence is currently insufficient to determine the role of this variant in disease. Therefore, it has been classified as a Variant of Uncertain Significance.

NM_021951.3(DMRT1):c.823A>G (p.Met275Val)

Gene: DMRT1 (doublesex and mab-3 related transcription factor 1; plus strand). Cytogenetic location: 9p24.3.
Variant type: single nucleotide variant.
Coding change: c.823A>G on transcript NM_021951.3 (MANE Select); coding-DNA position 823, A replaced by G.
Protein change: p.Met275Val; replaces methionine 275 with valine.
Molecular consequence: missense variant.
Genome position (GRCh38, 1-based): chr9:916,763, A>G. VCF-style: chr9-916763-A-G. GRCh37 (hg19) VCF-style: chr9-916763-A-G.
Other names: c.349A>G, p.Met117Val (NM_001363767.1); short protein forms M117V, M275V.
Identifiers: ClinVar variation 2456692 (VCV002456692.5), dbSNP rs202115252, ClinGen allele CA4961697.